The following is an entry in ClinVar:

NM_024339.5(THOC6):c.259C>T (p.Arg87Ter)

Gene: THOC6 (THO complex subunit 6; plus strand). Cytogenetic location: 16p13.3.
Variant type: single nucleotide variant.
Coding change: c.259C>T on transcript NM_024339.5 (MANE Select); coding-DNA position 259, C replaced by T.
Protein change: p.Arg87Ter; replaces arginine 87 with a stop codon.
Molecular consequence: nonsense.
Genome position (GRCh38, 1-based): chr16:3,026,101, C>T. VCF-style: chr16-3026101-C-T. GRCh37 (hg19) VCF-style: chr16-3076102-C-T.
Other names: c.259C>T, p.Arg87Ter (NM_001142350.3, NM_001347704.2); c.187C>T, p.Arg63Ter (NM_001347703.2); short protein forms R87*, R63*.
Identifiers: ClinVar variation 520614 (VCV000520614.11), dbSNP rs763344375, ClinGen allele CA7854906.

ClinVar aggregate classification (germline): Pathogenic. Review status: criteria provided, multiple submitters, no conflicts (2 of 4 stars). 4 submissions from 4 submitters: Pathogenic (2). 2 of the submissions do not count toward it. Last evaluated 2025-03-03.

Conditions:
Inborn genetic diseases. Identifiers: MedGen C0950123, MeSH D030342.
THOC6-related developmental delay-microcephaly-facial dysmorphism syndrome. Also called: THOC6 Intellectual Disability Syndrome; Microcephaly, mental retardation, and distinctive facies, with cardiac and genitourinary malformations; Beaulieu-Boycott-Innes syndrome. Identifiers: Orphanet 363444, MedGen C3150939, MONDO:0013362, OMIM 613680.

Allele frequency attached by ClinVar (database versions not stated): gnomAD exomes below 0.00001; ExAC 0.00001; gnomAD 0.00001; TOPMed 0.00001.

Submissions (4):

GeneDx
Classification: Pathogenic. Last evaluated: 2025-03-03. Review status: criteria provided, single submitter. Criteria: GeneDx Variant Classification Process June 2021. Collection method: clinical testing. Allele origin: germline. Affected: yes.
Comment: Published functional studies demonstrate a damaging effect with in vitro functional assays demonstrating a loss of functional protein (PMID: 30476144); Nonsense variant predicted to result in protein truncation or nonsense mediated decay in a gene for which loss of function is a known mechanism of disease; Not observed at significant frequency in large population cohorts (gnomAD); This variant is associated with the following publications: (PMID: 27102954, 37644014, 30476144, 26739162)

Ambry Genetics
Classification: Pathogenic for Inborn genetic diseases. Last evaluated: 2015-01-09. Review status: criteria provided, single submitter. Criteria: Ambry exome assertion method (8-5-2015). Collection method: clinical testing. Allele origin: germline. Affected: yes. Observed: 1 variant allele.

OMIM
Classification: Pathogenic for BEAULIEU-BOYCOTT-INNES SYNDROME. Last evaluated: 2024-09-24. Review status: no assertion criteria provided. Collection method: literature only. Allele origin: germline. Not counted in ClinVar's aggregate classification.

GeneReviews
No classification provided. Condition: THOC6-related developmental delay-microcephaly-facial dysmorphism syndrome. Review status: no classification provided. Collection method: literature only. Allele origin: germline. Not counted in ClinVar's aggregate classification.

Literature cited by the submitters: PubMed 26739162 (cited by OMIM and GeneReviews); PubMed 27102954 (cited by OMIM and GeneReviews); PubMed 32790266 (cited by GeneReviews).